The following is an entry in ClinVar:

NM_021625.5(TRPV4):c.245C>G (p.Pro82Arg)

Gene: TRPV4 (transient receptor potential cation channel subfamily V member 4; minus strand). Cytogenetic location: 12q24.11.
Variant type: single nucleotide variant.
Coding change: c.245C>G on transcript NM_021625.5 (MANE Select); coding-DNA position 245, C replaced by G.
Protein change: p.Pro82Arg; replaces proline 82 with arginine.
Molecular consequence: missense variant.
Genome position (GRCh38, 1-based): chr12:109,814,552, G>C on the plus strand (C>G on the coding strand, the complement: TRPV4 is on the minus strand). VCF-style: chr12-109814552-G-C. GRCh37 (hg19) VCF-style: chr12-110252357-G-C.
Other names: c.245C>G, p.Pro82Arg (NM_001177428.2, NM_001177433.2, NM_147204.3); c.143C>G, p.Pro48Arg (NM_001177431.2); short protein forms P48R, P82R.
Identifiers: ClinVar variation 1041173 (VCV001041173.10), dbSNP rs767079858, ClinGen allele CA6780586.

ClinVar aggregate classification (germline): Uncertain significance. Review status: criteria provided, multiple submitters, no conflicts (2 of 4 stars). 3 submissions from 3 submitters: Uncertain significance (3). Last evaluated 2025-08-21.

Conditions:
Charcot-Marie-Tooth disease axonal type 2C (HMSN2C). Also called: CHARCOT-MARIE-TOOTH DISEASE, AXONAL, AUTOSOMAL DOMINANT, TYPE 2C; Charcot-Marie-Tooth Neuropathy Type 2C; Charcot-Marie-Tooth Disease Type 2, TRPV4-Related (CMT2C). Identifiers: Orphanet 99937, MedGen C1853710, MONDO:0011633, OMIM 606071.
TRPV4-related disorder. Also called: TRPV4-related disorders; TRPV4-related condition.

Allele frequency attached by ClinVar (database versions not stated): ExAC 0.00002; TOPMed 0.00001.

Submissions (3):

Labcorp Genetics (formerly Invitae), Labcorp
Classification: Uncertain significance for Charcot-Marie-Tooth disease axonal type 2C. Last evaluated: 2025-08-21. Review status: criteria provided, single submitter. Criteria: Invitae Variant Classification Sherloc (09022015). Collection method: clinical testing. Allele origin: germline.
Comment: This sequence change replaces proline, which is neutral and non-polar, with arginine, which is basic and polar, at codon 82 of the TRPV4 protein (p.Pro82Arg). This variant is not present in population databases (gnomAD no frequency). This variant has not been reported in the literature in individuals affected with TRPV4-related conditions. ClinVar contains an entry for this variant (Variation ID: 1041173). Invitae Evidence Modeling of protein sequence and biophysical properties (such as structural, functional, and spatial information, amino acid conservation, physicochemical variation, residue mobility, and thermodynamic stability) has been performed for this missense variant. However, the output from this modeling did not meet the statistical confidence thresholds required to predict the impact of this variant on TRPV4 protein function. In summary, the available evidence is currently insufficient to determine the role of this variant in disease. Therefore, it has been classified as a Variant of Uncertain Significance.

PreventionGenetics, part of Exact Sciences
Classification: Uncertain significance for TRPV4-related condition. Last evaluated: 2025-08-13. Review status: criteria provided, single submitter. Criteria: ACMG Guidelines, 2015. Collection method: clinical testing. Allele origin: germline.
Comment: The TRPV4 c.245C>G variant is predicted to result in the amino acid substitution p.Pro82Arg. To our knowledge, this variant has not been reported in the literature or in a large population database (gnomAD), indicating this variant is rare. At this time, the clinical significance of this variant is uncertain due to the absence of conclusive functional and genetic evidence.

GeneDx
Classification: Uncertain significance. Last evaluated: 2023-11-16. Review status: criteria provided, single submitter. Criteria: GeneDx Variant Classification Process June 2021. Collection method: clinical testing. Allele origin: germline. Affected: yes.
Comment: Not observed at significant frequency in large population cohorts (gnomAD); In silico analysis supports that this missense variant has a deleterious effect on protein structure/function; Has not been previously published as pathogenic or benign to our knowledge